The following is an entry in ClinVar:

NM_004247.4(EFTUD2):c.1579G>A (p.Val527Met)

Gene: EFTUD2 (elongation factor Tu GTP binding domain containing 2; minus strand). Cytogenetic location: 17q21.31.
Variant type: single nucleotide variant.
Coding change: c.1579G>A on transcript NM_004247.4 (MANE Select); coding-DNA position 1579, G replaced by A.
Protein change: p.Val527Met; replaces valine 527 with methionine.
Molecular consequence: missense variant.
Genome position (GRCh38, 1-based): chr17:44,862,741, C>T on the plus strand (G>A on the coding strand, the complement: EFTUD2 is on the minus strand). VCF-style: chr17-44862741-C-T. GRCh37 (hg19) VCF-style: chr17-42940109-C-T.
Other names: c.1474G>A, p.Val492Met (NM_001142605.2); c.1579G>A, p.Val527Met (NM_001258353.2); c.1549G>A, p.Val517Met (NM_001258354.2); c.1579G>A (NM_004247.3); short protein forms V492M, V517M, V527M.
Identifiers: ClinVar variation 3629936 (VCV003629936.2).
Genomic context (GRCh38, chr17:44,862,741, plus strand): 5'-AGGCATACTCCTGGGGCTCTGGTTGGCAGTACCTGGCCACAGAGATCCAAAGGCGGCCCA[C>T]GGTGCATATCTGGGAGTCTTCCTCATCCTCCAGGGTGTAGTTCTCCCCCAGTACCTTCAC-3'
Protein context (NP_004238.3, residues 517-537): EDEEDSQICT[Val527Met]GRLWISVARY

ClinVar aggregate classification (germline): Uncertain significance. Review status: criteria provided, multiple submitters, no conflicts (2 of 4 stars). 2 submissions from 2 submitters: Uncertain significance (2). Last evaluated 2025-04-03.

Conditions:
Inborn genetic diseases. Identifiers: MedGen C0950123, MeSH D030342.

gnomAD v4.1: 4 of 1,613,944 alleles (0.00025%); highest among the groups gnomAD compares: Non-Finnish European, 0.00034%; no homozygotes.

Submissions (2):

Ambry Genetics
Classification: Uncertain significance for Inborn genetic diseases. Last evaluated: 2025-04-03. Review status: criteria provided, single submitter. Criteria: Ambry Variant Classification Scheme 2023. Collection method: clinical testing. Allele origin: germline.

Women's Health and Genetics/Laboratory Corporation of America, LabCorp
Classification: Uncertain significance. Last evaluated: 2024-11-21. Review status: criteria provided, single submitter. Criteria: LabCorp Variant Classification Summary - May 2015. Collection method: clinical testing. Allele origin: germline.
Comment: Variant summary: EFTUD2 c.1579G>A (p.Val527Met) results in a conservative amino acid change in the encoded protein sequence. Four of five in-silico tools predict a damaging effect of the variant on protein function. The variant was absent in 250756 control chromosomes. The available data on variant occurrences in the general population are insufficient to allow any conclusion about variant significance. To our knowledge, no occurrence of c.1579G>A in individuals affected with Mandibulofacial Dysostosis-Microcephaly Syndrome and no experimental evidence demonstrating its impact on protein function have been reported. No submitters have cited clinical-significance assessments for this variant to ClinVar. Based on the evidence outlined above, the variant was classified as uncertain significance.